The following is an entry in ClinVar:

NM_001276345.2(TNNT2):c.817G>A (p.Val273Ile)

Gene: TNNT2 (troponin T2, cardiac type; minus strand). Cytogenetic location: 1q32.1.
Variant type: single nucleotide variant.
Coding change: c.817G>A on transcript NM_001276345.2 (MANE Select); coding-DNA position 817, G replaced by A.
Protein change: p.Val273Ile; replaces valine 273 with isoleucine.
Molecular consequence: missense variant.
Genome position (GRCh38, 1-based): chr1:201,359,657, C>T on the plus strand (G>A on the coding strand, the complement: TNNT2 is on the minus strand). VCF-style: chr1-201359657-C-T. GRCh37 (hg19) VCF-style: chr1-201328785-C-T.
Other names: c.808G>A, p.Val270Ile (NM_000364.4); c.787G>A, p.Val263Ile (NM_001001430.3, NM_001276347.2); c.778G>A, p.Val260Ile (NM_001001431.3); c.769G>A, p.Val257Ile (NM_001001432.3); c.688G>A, p.Val230Ile (NM_001276346.2); short protein forms V273I, V263I, V257I, V230I, V260I, V270I.
Identifiers: ClinVar variation 691825 (VCV000691825.4), dbSNP rs1571590208, ClinGen allele CA344202446.

ClinVar aggregate classification (germline): Uncertain significance. Review status: criteria provided, multiple submitters, no conflicts (2 of 4 stars). 2 submissions from 2 submitters: Uncertain significance (2). Last evaluated 2023-10-23.

Conditions:
Primary dilated cardiomyopathy (DCM). Also called: Dilated Cardiomyopathy. Identifiers: Orphanet 217604, MedGen C0007193, MeSH D002311, MONDO:0005021, HP:0001644. Inheritance: Various modes of inheritance.
Dilated cardiomyopathy 1D. Identifiers: Orphanet 154, Orphanet 54260, MedGen C1832243, MONDO:0011095, OMIM 601494.
Cardiomyopathy, familial restrictive, 3. Identifiers: Orphanet 75249, MedGen C2676271, MONDO:0012900, OMIM 612422.
Hypertrophic cardiomyopathy 2. Also called: TNNT2-Related Familial Hypertrophic Cardiomyopathy. Identifiers: MedGen C1861864, MONDO:0007266, OMIM 115195.

Submissions (2):

Labcorp Genetics (formerly Invitae), Labcorp
Classification: Uncertain significance for Cardiomyopathy, familial restrictive, 3; Hypertrophic cardiomyopathy 2; Dilated cardiomyopathy 1D. Last evaluated: 2023-10-23. Review status: criteria provided, single submitter. Criteria: Invitae Variant Classification Sherloc (09022015). Collection method: clinical testing. Allele origin: germline.
Comment: This sequence change replaces valine, which is neutral and non-polar, with isoleucine, which is neutral and non-polar, at codon 263 of the TNNT2 protein (p.Val263Ile). This variant is not present in population databases (gnomAD no frequency). This variant has not been reported in the literature in individuals affected with TNNT2-related conditions. ClinVar contains an entry for this variant (Variation ID: 691825). Advanced modeling of protein sequence and biophysical properties (such as structural, functional, and spatial information, amino acid conservation, physicochemical variation, residue mobility, and thermodynamic stability) performed at Invitae indicates that this missense variant is expected to disrupt TNNT2 protein function with a positive predictive value of 95%. In summary, the available evidence is currently insufficient to determine the role of this variant in disease. Therefore, it has been classified as a Variant of Uncertain Significance.

Klaassen Lab, Charite University Medicine Berlin
Classification: Uncertain significance for Primary dilated cardiomyopathy. Last evaluated: 2019-07-03. Review status: criteria provided, single submitter. Criteria: ACMG Guidelines, 2015. Collection method: research. Allele origin: germline. Affected: yes.

Literature cited by the submitters: PubMed 31333075 (cited by Klaassen Lab, Charite University Medicine Berlin); PubMed 31568572 (cited by Klaassen Lab, Charite University Medicine Berlin).